The following is an entry in ClinVar:

ClinVar aggregate classification (germline): Likely benign (1 of 4 stars; one submission).

Allele frequency attached by ClinVar (database versions not stated): 1000 Genomes Project 0.00120; 1000 Genomes Project 30x 0.00125; gnomAD 0.00485 and 0.00510.

Submission:

CeGaT Center for Human Genetics Tuebingen
Classification: Likely benign. Last evaluated: 2023-02-01. Review status: criteria provided, single submitter. Criteria: CeGaT Center For Human Genetics Tuebingen Variant Classification Criteria Version 2. Collection method: clinical testing. Allele origin: germline. Affected: yes. Observed: 2 variant alleles.
Comment: ALG9: BS2

NM_024740.2(ALG9):c.*1681dup

Gene: ALG9 (ALG9 alpha-1,2-mannosyltransferase; minus strand). Cytogenetic location: 11q23.1.
Variant type: Duplication.
Coding change: c.*1681dup on transcript NM_024740.2 (MANE Select); 1681 bases downstream of the stop codon, one base duplicated (A; older notation c.*1681dupA).
Molecular consequence: 3 prime UTR variant. On other transcripts: non-coding transcript variant (1).
Genome position (GRCh38, 1-based): chr11:111,784,716, T duplicated on the plus strand (A on the coding strand, the reverse complement: ALG9 is on the minus strand). VCF-style (leftmost placement, unchanged base first): chr11-111784715-C-CT. GRCh37 (hg19) VCF-style: chr11-111655439-C-CT.
Other names: c.*1681dup (NM_001077690.1, NM_001077691.2, NM_001077692.2 and 9 more transcripts); c.*1341dup (NM_001352415.1, NM_001352416.1, NM_001352417.1 and 1 more transcripts); c.*1810dup (NM_001352420.2); c.*1804dup (NM_001352421.2).
Identifiers: ClinVar variation 302402 (VCV000302402.29), dbSNP rs541176886, ClinGen allele CA10637578.